The following is an entry in ClinVar:

ClinVar aggregate classification (germline): Uncertain significance (1 of 4 stars; one submission).

Conditions:
Inborn genetic diseases. Identifiers: MedGen C0950123, MeSH D030342.

gnomAD v4.1: 1 of 1,612,948 alleles (0.000062%); highest among the groups gnomAD compares: Non-Finnish European, 0.000085%; no homozygotes.

Submission:

Ambry Genetics
Classification: Uncertain significance for Inborn genetic diseases. Last evaluated: 2024-05-25. Review status: criteria provided, single submitter. Criteria: Ambry Variant Classification Scheme 2023. Collection method: clinical testing. Allele origin: germline.
Comment: The p.K107I variant (also known as c.320A>T), located in coding exon 3 of the RAD51 gene, results from an A to T substitution at nucleotide position 320. The lysine at codon 107 is replaced by isoleucine, an amino acid with dissimilar properties. This amino acid position is conserved. In addition, the in silico prediction for this alteration is inconclusive. Based on the available evidence, the clinical significance of this variant remains unclear.

NM_002875.5(RAD51):c.320A>T (p.Lys107Ile)

Gene: RAD51 (RAD51 recombinase; plus strand). Cytogenetic location: 15q15.1.
Variant type: single nucleotide variant.
Coding change: c.320A>T on transcript NM_002875.5 (MANE Select); coding-DNA position 320, A replaced by T.
Protein change: p.Lys107Ile; replaces lysine 107 with isoleucine.
Molecular consequence: missense variant. On other transcripts: intron variant (2).
Genome position (GRCh38, 1-based): chr15:40,706,271, A>T. VCF-style: chr15-40706271-A-T. GRCh37 (hg19) VCF-style: chr15-40998469-A-T.
Other names: c.320A>T, p.Lys107Ile (NM_001164270.2); c.347-2754A>T (NM_133487.4, NM_001164269.2); short protein forms K107I.
Identifiers: ClinVar variation 3312352 (VCV003312352.1).
Genomic context (GRCh38, chr15:40,706,271, plus strand): 5'-CCACTGCAACTGAATTCCACCAAAGGCGGTCAGAGATCATACAGATTACTACTGGCTCCA[A>T]AGAGCTTGACAAACTACTTCAAGGTGTAGTAATCCTTTATCCTGTGTTGTGAACTCTAGT-3'
Protein context (NP_002866.2, residues 97-117): SEIIQITTGS[Lys107Ile]ELDKLLQGGI